The following is an entry in ClinVar:

NC_000016.9:g.(?_89805009)_(89831484_?)dup

Genes: FANCA (FA complementation group A; minus strand), ZNF276 (zinc finger protein 276; plus strand). Cytogenetic location: 16q24.3.
Variant type: Duplication.
Identifiers: ClinVar variation 1480270 (VCV001480270.4).

ClinVar aggregate classification (germline): Uncertain significance (1 of 4 stars; one submission).

Conditions:
Fanconi anemia (FA). Also called: Fanconi's anemia. Identifiers: Orphanet 84, MedGen C0015625, MeSH D005199, MONDO:0019391.

Submission:

Labcorp Genetics (formerly Invitae), Labcorp
Classification: Uncertain significance for Fanconi anemia. Last evaluated: 2023-11-20. Review status: criteria provided, single submitter. Criteria: Invitae Variant Classification Sherloc (09022015). Collection method: clinical testing. Allele origin: germline.
Comment: This variant results in a copy number gain of the genomic region encompassing exon(s) 28-43 of the FANCA gene. This region includes the termination codon of the gene. This copy number gain extends beyond the assayed region for this gene and therefore may encompass additional genes. As the precise location of this event is unknown, it may be in tandem or it may be located elsewhere in the genome. This variant has not been reported in the literature in individuals affected with FANCA-related conditions. In summary, the available evidence is currently insufficient to determine the role of this variant in disease. Therefore, it has been classified as a Variant of Uncertain Significance.